The following is an entry in ClinVar:

ClinVar aggregate classification (germline): Uncertain significance (1 of 4 stars; one submission).

Conditions:
Gastrointestinal stromal tumor. Also called: Gastrointestinal stroma tumor; Gastrointestinal stromal tumor, somatic. Identifiers: Orphanet 44890, MedGen C0238198, MeSH D046152, MONDO:0011719, OMIM 606764, HP:0100723.
Pheochromocytoma/paraganglioma syndrome 4. Also called: CAROTID BODY TUMORS AND MULTIPLE EXTRAADRENAL PHEOCHROMOCYTOMAS; SDHB-Related Hereditary Paraganglioma-Pheochromocytoma Syndrome; PARAGANGLIOMA, FAMILIAL MALIGNANT; PARAGANGLIOMAS, HEREDITARY EXTRAADRENAL; PHEOCHROMOCYTOMA, FAMILIAL EXTRAADRENAL; Paragangliomas 4. Identifiers: Orphanet 29072, MedGen C1861848, MONDO:0007273, OMIM 115310.
Pheochromocytoma. Also called: MAX-Related Hereditary Paraganglioma-Pheochromocytoma Syndrome. Identifiers: Orphanet 29072, MedGen C0031511, MONDO:0008233, OMIM 171300, HP:0002666.

Submission:

Labcorp Genetics (formerly Invitae), Labcorp
Classification: Uncertain significance for Gastrointestinal stromal tumor; Pheochromocytoma/paraganglioma syndrome 4; Pheochromocytoma. Last evaluated: 2021-08-11. Review status: criteria provided, single submitter. Criteria: Invitae Variant Classification Sherloc (09022015). Collection method: clinical testing. Allele origin: germline.
Comment: In summary, the available evidence is currently insufficient to determine the role of this variant in disease. Therefore, it has been classified as a Variant of Uncertain Significance. Advanced modeling of protein sequence and biophysical properties (such as structural, functional, and spatial information, amino acid conservation, physicochemical variation, residue mobility, and thermodynamic stability) performed at Invitae indicates that this missense variant is not expected to disrupt SDHB protein function. This variant has not been reported in the literature in individuals affected with SDHB-related conditions. This variant is not present in population databases (ExAC no frequency). This sequence change replaces isoleucine with methionine at codon 174 of the SDHB protein (p.Ile174Met). The isoleucine residue is moderately conserved and there is a small physicochemical difference between isoleucine and methionine.

NM_003000.3(SDHB):c.522A>G (p.Ile174Met)

Gene: SDHB (succinate dehydrogenase complex iron sulfur subunit B; minus strand). Cytogenetic location: 1p36.13.
Variant type: single nucleotide variant.
Coding change: c.522A>G on transcript NM_003000.3 (MANE Select); coding-DNA position 522, A replaced by G.
Protein change: p.Ile174Met; replaces isoleucine 174 with methionine.
Molecular consequence: missense variant.
Genome position (GRCh38, 1-based): chr1:17,027,767, T>C on the plus strand (A>G on the coding strand, the complement: SDHB is on the minus strand). VCF-style: chr1-17027767-T-C. GRCh37 (hg19) VCF-style: chr1-17354262-T-C.
Other names: short protein forms I174M.
Identifiers: ClinVar variation 1497478 (VCV001497478.6), dbSNP rs2101521589, ClinGen allele CA338272516.
Genomic context (GRCh38, chr1:17,027,767, plus strand): 5'-AATAAATTCTTCAGATTGAAACAATAAATAGGGACTAATGACCAGTTTCTCACGCTCTTC[T>C]ATGGACTGCAGATACTGCTGCTTGCCTTCCTGAGATTCATCCTTCTTCTTCAAATAAGGC-3'
Protein context (NP_002991.2, residues 164-184): QEGKQQYLQS[Ile174Met]EEREKLDGLY